The following is an entry in ClinVar:

NM_000059.4(BRCA2):c.7819_7820del (p.Thr2607fs)

Gene: BRCA2 (BRCA2 DNA repair associated; plus strand). Cytogenetic location: 13q13.1.
Variant type: Microsatellite.
Coding change: c.7819_7820del on transcript NM_000059.4 (MANE Select); coding-DNA positions 7819 to 7820, 2 bases deleted (AC; older notation c.7819_7820delAC).
Protein change: p.Thr2607fs; shifts the reading frame from threonine 2607.
Molecular consequence: frameshift variant.
Genome position (GRCh38, 1-based): chr13:32,362,536-32,362,537, AC deleted; deleting any 2 consecutive bases within chr13:32,362,534-32,362,537 gives the same sequence; the c. name uses the placement nearest the transcript's 3' end. VCF-style (leftmost placement, unchanged base first): chr13-32362533-GAC-G. GRCh37 (hg19) VCF-style: chr13-32936670-GAC-G.
Other names: short protein forms T2607fs.
Identifiers: ClinVar variation 1172174 (VCV001172174.20), dbSNP rs2137576469, ClinGen allele CA2580614673.

ClinVar aggregate classification (germline): Pathogenic. Review status: criteria provided, single submitter (1 of 4 stars). 2 submissions from 2 submitters: Pathogenic (1). 1 of the submissions does not count toward it. Last evaluated 2021-01-10.

Conditions:
Hereditary cancer-predisposing syndrome. Also called: Tumor predisposition; Hereditary Cancer Syndrome; Hereditary neoplastic syndrome; Neoplastic Syndromes, Hereditary. Identifiers: Orphanet 140162, MedGen C0027672, MeSH D009386, MONDO:0015356.
Gastric cancer. Also called: Malignant tumor of stomach; Stomach cancer. Identifiers: MedGen C0024623, MeSH D013274, MONDO:0001056, OMIM 613659, HP:0012126.

Submissions (2):

Color Diagnostics, LLC DBA Color Health
Classification: Pathogenic for Hereditary cancer-predisposing syndrome. Last evaluated: 2021-01-10. Review status: criteria provided, single submitter. Criteria: ACMG Guidelines, 2015. Collection method: clinical testing. Allele origin: germline.
Comment: This variant deletes 2 nucleotides in exon 17 of the BRCA2 gene, creating a frameshift and premature translation stop signal. This variant is expected to result in an absent or non-functional protein product. To our knowledge, this variant has not been reported in individuals affected with hereditary cancer in the literature. This variant has not been identified in the general population by the Genome Aggregation Database (gnomAD). Loss of BRCA2 function is a known mechanism of disease. Based on the available evidence, this variant is classified as Pathogenic.

Laboratory for Genotyping Development, RIKEN
Classification: Pathogenic for Gastric cancer. Last evaluated: 2021-07-01. Review status: no assertion criteria provided. Collection method: research. Allele origin: germline. Not counted in ClinVar's aggregate classification.

Literature cited by the submitters: PubMed 36988593 (cited by Laboratory for Genotyping Development, RIKEN).